The following is an entry in ClinVar:

ClinVar aggregate classification (germline): Uncertain significance (1 of 4 stars; one submission).

Conditions:
Familial cancer of breast. Also called: hereditary breast carcinoma; Hereditary breast cancer; BREAST CANCER, FAMILIAL. Identifiers: Orphanet 227535, MedGen C0346153, MONDO:0016419, OMIM 114480. Disease mechanism: loss of function.

Submission:

Labcorp Genetics (formerly Invitae), Labcorp
Classification: Uncertain significance for Familial cancer of breast. Last evaluated: 2023-09-08. Review status: criteria provided, single submitter. Criteria: Invitae Variant Classification Sherloc (09022015). Collection method: clinical testing. Allele origin: germline.
Comment: This variant has not been reported in the literature in individuals affected with PALB2-related conditions. This variant is not present in population databases (gnomAD no frequency). In summary, the available evidence is currently insufficient to determine the role of this variant in disease. Therefore, it has been classified as a Variant of Uncertain Significance. This sequence change replaces cysteine, which is neutral and slightly polar, with tyrosine, which is neutral and polar, at codon 802 of the PALB2 protein (p.Cys802Tyr). Advanced modeling of protein sequence and biophysical properties (such as structural, functional, and spatial information, amino acid conservation, physicochemical variation, residue mobility, and thermodynamic stability) performed at Invitae indicates that this missense variant is not expected to disrupt PALB2 protein function.

NM_024675.4(PALB2):c.2405G>A (p.Cys802Tyr)

Gene: PALB2 (partner and localizer of BRCA2; minus strand). Cytogenetic location: 16p12.2.
Variant type: single nucleotide variant.
Coding change: c.2405G>A on transcript NM_024675.4 (MANE Select); coding-DNA position 2405, G replaced by A.
Protein change: p.Cys802Tyr; replaces cysteine 802 with tyrosine.
Molecular consequence: missense variant. On other transcripts: intron variant (1).
Genome position (GRCh38, 1-based): chr16:23,629,749, C>T on the plus strand (G>A on the coding strand, the complement: PALB2 is on the minus strand). VCF-style: chr16-23629749-C-T. GRCh37 (hg19) VCF-style: chr16-23641070-C-T.
Other names: c.2405G>A, p.Cys802Tyr (NM_001407297.1, NM_001407298.1, NM_001407299.1 and 3 more transcripts); c.2345G>A, p.Cys782Tyr (NM_001407296.1); c.1520G>A, p.Cys507Tyr (NM_001407304.1, NM_001407305.1, NM_001407306.1 and 5 more transcripts); c.617G>A, p.Cys206Tyr (NM_001407312.1, NM_001407313.1); c.49-474G>A (NM_001407314.1); short protein forms C507Y, C802Y, C206Y, C782Y.
Identifiers: ClinVar variation 2863264 (VCV002863264.3), dbSNP rs2142373717, ClinGen allele CA395124426.